The following is an entry in ClinVar:

ClinVar aggregate classification (germline): Uncertain significance (1 of 4 stars; one submission).

Conditions:
Cystic fibrosis (CF). Also called: MUCOVISCIDOSIS. Identifiers: Orphanet 586, MedGen C0010674, MONDO:0009061, OMIM 219700. Disease mechanism: loss of function.

Submission:

Ambry Genetics
Classification: Uncertain significance for Cystic fibrosis. Last evaluated: 2025-06-01. Review status: criteria provided, single submitter. Criteria: Ambry Variant Classification Scheme 2023. Collection method: clinical testing. Allele origin: germline.
Comment: The p.K447N variant (also known as c.1341G>T), located in coding exon 10 of the CFTR gene, results from a G to T substitution at nucleotide position 1341. The lysine at codon 447 is replaced by asparagine, an amino acid with similar properties. This amino acid position is conserved. In addition, this alteration is predicted to be tolerated by in silico analysis. Based on the available evidence, the clinical significance of this variant remains unclear.

NM_000492.4(CFTR):c.1341G>T (p.Lys447Asn)

Genes: CFTR (CF transmembrane conductance regulator; plus strand), CFTR-AS1 (CFTR antisense RNA 1; minus strand). Cytogenetic location: 7q31.2.
Variant type: single nucleotide variant.
Coding change: c.1341G>T on transcript NM_000492.4 (MANE Select); coding-DNA position 1341, G replaced by T.
Protein change: p.Lys447Asn; replaces lysine 447 with asparagine.
Molecular consequence: missense variant.
Genome position (GRCh38, 1-based): chr7:117,548,772, G>T. VCF-style: chr7-117548772-G-T. GRCh37 (hg19) VCF-style: chr7-117188826-G-T.
Other names: short protein forms K447N.
Identifiers: ClinVar variation 4001882 (VCV004001882.1).